The following is an entry in ClinVar:

NM_014283.5(SUCO):c.1294C>G (p.Leu432Val)

Gene: SUCO (SUN domain containing ossification factor; plus strand). Cytogenetic location: 1q24.3.
Variant type: single nucleotide variant.
Coding change: c.1294C>G on transcript NM_014283.5 (MANE Select); coding-DNA position 1294, C replaced by G.
Protein change: p.Leu432Val; replaces leucine 432 with valine.
Molecular consequence: missense variant. On other transcripts: 5 prime UTR variant (1).
Genome position (GRCh38, 1-based): chr1:172,577,773, C>G. VCF-style: chr1-172577773-C-G. GRCh37 (hg19) VCF-style: chr1-172546913-C-G.
Other names: c.1183C>G, p.Leu395Val (NM_001282750.2); c.-236C>G (NM_001282751.2); c.1747C>G, p.Leu583Val (NM_016227.4); short protein forms L583V, L395V, L432V.
Identifiers: ClinVar variation 1429430 (VCV001429430.4), dbSNP rs111991919, ClinGen allele CA32721493.
Genomic context (GRCh38, chr1:172,577,773, plus strand): 5'-ATCTTACATGCTCTCTGCTGGCTTCCCATTTTATGTGCTTTTATTCTTTAGGTTGAGTTG[C>G]TATCACATTTTGGATCAGAGCACTTTTGTCCATTAAGCCTTATAAGGTAATGCAGAACAA-3'
Protein context (NP_055098.1, residues 422-442): MFIKYIKVEL[Leu432Val]SHFGSEHFCP

ClinVar aggregate classification (germline): Uncertain significance (1 of 4 stars; one submission).

Allele frequency attached by ClinVar (database versions not stated): gnomAD 0.00001.
gnomAD v4.1: 8 of 1,611,708 alleles (0.0005%); highest among the groups gnomAD compares: African/African-American, 0.0053%; no homozygotes.

Submission:

Labcorp Genetics (formerly Invitae), Labcorp
Classification: Uncertain significance. Last evaluated: 2025-09-23. Review status: criteria provided, single submitter. Criteria: Invitae Variant Classification Sherloc (09022015). Collection method: clinical testing. Allele origin: germline.
Comment: This sequence change replaces leucine, which is neutral and non-polar, with valine, which is neutral and non-polar, at codon 432 of the SUCO protein (p.Leu432Val). This variant is not present in population databases (gnomAD no frequency). This variant has not been reported in the literature in individuals affected with SUCO-related conditions. ClinVar contains an entry for this variant (Variation ID: 1429430). An algorithm developed to predict the effect of missense changes on protein structure and function outputs the following: PolyPhen-2: "Benign". The valine amino acid residue is found in multiple mammalian species, which suggests that this missense change does not adversely affect protein function. In summary, the available evidence is currently insufficient to determine the role of this variant in disease. Therefore, it has been classified as a Variant of Uncertain Significance.